The following is an entry in ClinVar:

ClinVar aggregate classification (germline): Likely benign. Review status: reviewed by expert panel (3 of 4 stars). 3 submissions from 3 submitters: Likely benign (1). 2 of the submissions do not count toward it. Last evaluated 2017-06-29.

Conditions:
Hereditary breast ovarian cancer syndrome. Also called: Hereditary breast and ovarian cancer syndrome (HBOC); BRCA1- and BRCA2-Associated Hereditary Breast and Ovarian Cancer; Hereditary breast and/or ovarian cancer syndrome; Hereditary breast and ovarian cancer syndrome; Hereditary breast and ovarian cancer; Breast and ovarian cancer. Identifiers: Orphanet 145, MedGen C0677776, MeSH D061325, MONDO:0003582. Disease mechanism: loss of function.
Hereditary cancer-predisposing syndrome. Also called: Neoplastic Syndromes, Hereditary; Hereditary neoplastic syndrome; Tumor predisposition; Hereditary Cancer Syndrome. Identifiers: Orphanet 140162, MedGen C0027672, MeSH D009386, MONDO:0015356.
Breast-ovarian cancer, familial, susceptibility to, 1 (BROVCA1). Also called: BRCA1 Hereditary Breast and Ovarian Cancer; OVARIAN CANCER, SUSCEPTIBILITY TO. Identifiers: Orphanet 145, MedGen C2676676, MONDO:0011450, OMIM 604370. Disease mechanism: loss of function.

Allele frequency attached by ClinVar (database versions not stated): gnomAD exomes below 0.00001; ExAC 0.00001.
gnomAD v4.1: 2 of 1,614,056 alleles (0.00012%); highest among the groups gnomAD compares: East Asian, 0.0022%; no homozygotes.

Submissions (3):

Evidence-based Network for the Interpretation of Germline Mutant Alleles (ENIGMA)
Classification: Likely benign for Breast-ovarian cancer, familial, susceptibility to, 1. Last evaluated: 2017-06-29. Review status: reviewed by expert panel. Criteria: ENIGMA BRCA1/2 Classification Criteria (2017-06-29). Collection method: curation. Allele origin: germline.
Comment: Synonymous substitution variant, with low bioinformatic likelihood to result in a splicing aberration (Splicing prior probability 0.02).

Ambry Genetics
Classification: Likely benign for Hereditary cancer-predisposing syndrome. Last evaluated: 2025-02-28. Review status: criteria provided, single submitter. Criteria: Ambry Variant Classification Scheme 2023. Collection method: clinical testing. Allele origin: germline. Not counted in ClinVar's aggregate classification.

Labcorp Genetics (formerly Invitae), Labcorp
Classification: Likely benign for Hereditary breast ovarian cancer syndrome. Last evaluated: 2023-05-11. Review status: criteria provided, single submitter. Criteria: Invitae Variant Classification Sherloc (09022015). Collection method: clinical testing. Allele origin: germline. Not counted in ClinVar's aggregate classification.

NM_007294.4(BRCA1):c.1839G>A (p.Arg613=)

Gene: BRCA1 (BRCA1 DNA repair associated; minus strand). Cytogenetic location: 17q21.31.
Variant type: single nucleotide variant.
Coding change: c.1839G>A on transcript NM_007294.4 (MANE Select); coding-DNA position 1839, G replaced by A.
Protein change: p.Arg613=; no amino-acid change (arginine 613 retained).
Molecular consequence: synonymous variant. On other transcripts: intron variant (137).
Genome position (GRCh38, 1-based): chr17:43,093,692, C>T on the plus strand (G>A on the coding strand, the complement: BRCA1 is on the minus strand). VCF-style: chr17-43093692-C-T. GRCh37 (hg19) VCF-style: chr17-41245709-C-T.
Other names: c.1698G>A, p.Arg566= (NM_001407942.1, NM_001407944.1, NM_001407945.1 and 29 more transcripts); c.1695G>A, p.Arg565= (NM_001407943.1, NM_001407964.1, NM_001407740.1 and 20 more transcripts); c.1506G>A, p.Arg502= (NM_001407946.1, NM_001407947.1, NM_001407948.1 and 6 more transcripts); c.1503G>A, p.Arg501= (NM_001407954.1, NM_001407955.1, NM_001407956.1 and 1 more transcripts); c.1458G>A, p.Arg486= (NM_001407959.1, NM_001407960.1, NM_001407963.1); c.1455G>A, p.Arg485= (NM_001407962.1); c.1335G>A, p.Arg445= (NM_001407965.1); c.951G>A, p.Arg317= (NM_001407966.1, NM_001407967.1); and 40 more.
Identifiers: ClinVar variation 427297 (VCV000427297.15), dbSNP rs759157605, ClinGen allele CA057555.